The following is an entry in ClinVar:

NM_032387.5(WNK4):c.665_668dup (p.Glu223fs)

Gene: WNK4 (WNK lysine deficient protein kinase 4; plus strand). Cytogenetic location: 17q21.2.
Variant type: Duplication.
Coding change: c.665_668dup on transcript NM_032387.5 (MANE Select); coding-DNA positions 665 to 668, 4 bases duplicated (TGGA; older notation c.665_668dupTGGA).
Protein change: p.Glu223fs; shifts the reading frame from glutamic acid 223.
Molecular consequence: frameshift variant. On other transcripts: 5 prime UTR variant (1).
Genome position (GRCh38, 1-based): chr17:42,782,804-42,782,807, TGGA duplicated. VCF-style (leftmost placement, unchanged base first): chr17-42782803-G-GTGGA. GRCh37 (hg19) VCF-style: chr17-40934821-G-GTGGA.
Other names: c.-255_-252dup (NM_001321299.2); short protein forms E223fs.
Identifiers: ClinVar variation 2957416 (VCV002957416.3), dbSNP rs2143999730, ClinGen allele CA2638017441.

ClinVar aggregate classification (germline): Uncertain significance (1 of 4 stars; one submission).

Submission:

Labcorp Genetics (formerly Invitae), Labcorp
Classification: Uncertain significance. Last evaluated: 2024-09-05. Review status: criteria provided, single submitter. Criteria: Invitae Variant Classification Sherloc (09022015). Collection method: clinical testing. Allele origin: germline.
Comment: This sequence change creates a premature translational stop signal (p.Glu223Aspfs*17) in the WNK4 gene. It is expected to result in an absent or disrupted protein product. However, the current clinical and genetic evidence is not sufficient to establish whether loss-of-function variants in WNK4 cause disease. This variant is not present in population databases (gnomAD no frequency). This variant has not been reported in the literature in individuals affected with WNK4-related conditions. In summary, the available evidence is currently insufficient to determine the role of this variant in disease. Therefore, it has been classified as a Variant of Uncertain Significance.